The following is an entry in ClinVar:

ClinVar aggregate classification (germline): Conflicting classifications of pathogenicity. Review status: criteria provided, conflicting classifications (1 of 4 stars). 2 submissions from 2 submitters: Uncertain significance (1); Likely benign (1). Last evaluated 2025-04-11.

Conditions:
Colorectal cancer, susceptibility to, 12 (CRCS12). Also called: COLORECTAL CANCER, SUSCEPTIBILITY TO, ON CHROMOSOME 12q24. Identifiers: Orphanet 220460, MedGen C3554460, MONDO:0014038, OMIM 615083.
Hereditary cancer-predisposing syndrome. Also called: Tumor predisposition; Hereditary neoplastic syndrome; Neoplastic Syndromes, Hereditary; Hereditary Cancer Syndrome. Identifiers: Orphanet 140162, MedGen C0027672, MeSH D009386, MONDO:0015356.

Submissions (2):

Ambry Genetics
Classification: Likely benign for Hereditary cancer-predisposing syndrome. Last evaluated: 2025-04-11. Review status: criteria provided, single submitter. Criteria: Ambry Variant Classification Scheme 2023. Collection method: clinical testing. Allele origin: germline.

Labcorp Genetics (formerly Invitae), Labcorp
Classification: Uncertain significance for Colorectal cancer, susceptibility to, 12. Last evaluated: 2021-08-26. Review status: criteria provided, single submitter. Criteria: Invitae Variant Classification Sherloc (09022015). Collection method: clinical testing. Allele origin: germline.
Comment: This sequence change replaces asparagine with serine at codon 841 of the POLE protein (p.Asn841Ser). The asparagine residue is highly conserved and there is a small physicochemical difference between asparagine and serine. This variant is not present in population databases (ExAC no frequency). This variant has not been reported in the literature in individuals affected with POLE-related conditions. Algorithms developed to predict the effect of missense changes on protein structure and function output the following: SIFT: "Tolerated"; PolyPhen-2: "Benign"; Align-GVGD: "Class C0". The serine amino acid residue is found in multiple mammalian species, which suggests that this missense change does not adversely affect protein function. In summary, the available evidence is currently insufficient to determine the role of this variant in disease. Therefore, it has been classified as a Variant of Uncertain Significance.

NM_006231.4(POLE):c.2522A>G (p.Asn841Ser)

Gene: POLE (DNA polymerase epsilon, catalytic subunit; minus strand). Cytogenetic location: 12q24.33.
Variant type: single nucleotide variant.
Coding change: c.2522A>G on transcript NM_006231.4 (MANE Select); coding-DNA position 2522, A replaced by G.
Protein change: p.Asn841Ser; replaces asparagine 841 with serine.
Molecular consequence: missense variant.
Genome position (GRCh38, 1-based): chr12:132,664,409, T>C on the plus strand (A>G on the coding strand, the complement: POLE is on the minus strand). VCF-style: chr12-132664409-T-C. GRCh37 (hg19) VCF-style: chr12-133240995-T-C.
Other names: short protein forms N841S.
Identifiers: ClinVar variation 952844 (VCV000952844.7), dbSNP rs2042746339, ClinGen allele CA387396380.
Genomic context (GRCh38, chr12:132,664,409, plus strand): 5'-CGGCTCCCCTTCTGCACTCACCCAATCTGCTCGATCAGCTCCCGTGCCTGGGTGATGATG[T>C]TGGCCCCTGTGAAGCAGACGATGCCAGCCATCTCCATGGAGTACCAGCGAGCCCTGAGAG-3'
Protein context (NP_006222.2, residues 831-851): MAGIVCFTGA[Asn841Ser]IITQARELIE